The following is an entry in ClinVar:

NR_001566.3(TERC):n.100T>A

Genes: TERC (telomerase RNA component; minus strand), LOC110806306 (telomerase RNA component (TERC) promoter; plus strand). Cytogenetic location: 3q26.2.
Variant type: single nucleotide variant.
Genome position: GRCh38 VCF-style: chr3-169764961-A-T. GRCh37 (hg19) VCF-style: chr3-169482749-A-T.
Other names: NR_001566.1:r.100u>a (T100A).
Identifiers: ClinVar variation 39280 (VCV000039280.3), dbSNP rs199422269, ClinGen allele CA343752.
Genomic context (GRCh38, chr3:169,764,961, plus strand): 5'-GAATGAACGGTGGAAGGCGGCAGGCCGAGGCTTTTCCGCCCGCTGAAAGTCAGCGAGAAA[A>T]ACAGCGCGCGGGGAGCAAAAGCACGGCGCCTACGCCCTTCTCAGTTAGGGTTAGACAAAA-3'

ClinVar aggregate classification (germline): Pathogenic (0 of 4 stars; one submission).

Conditions:
Dyskeratosis congenita, autosomal dominant 1 (DKCA1). Also called: Dyskeratosis congenita Scoggins type. Identifiers: Orphanet 1775, MedGen C4551974, MONDO:0007485, OMIM 127550. Inheritance: Variable.

Submission:

GeneReviews
Classification: Pathogenic for Dyskeratosis Congenita. Last evaluated: 2012-05-10. Review status: no assertion criteria provided. Collection method: curation. Allele origin: unknown.
ClinVar note: Converted during submission from pathologic to Pathogenic.